The following is an entry in ClinVar:

NM_000094.4(COL7A1):c.4783-1_4783delinsAA

Gene: COL7A1 (collagen type VII alpha 1 chain; minus strand). Cytogenetic location: 3p21.31.
Variant type: Indel.
Coding change: c.4783-1_4783delinsAA on transcript NM_000094.4 (MANE Select); the canonical splice acceptor site of the intron before coding-DNA position 4783 through coding-DNA position 4783, GG replaced by AA.
Molecular consequence: splice acceptor variant.
Genome position (GRCh38, 1-based): chr3:48,581,483-48,581,484, CC replaced by TT on the plus strand (GG replaced by AA on the coding strand, the reverse complement: COL7A1 is on the minus strand). VCF-style: chr3-48581483-CC-TT. GRCh37 (hg19) VCF-style: chr3-48618916-CC-TT.
Identifiers: ClinVar variation 4817379 (VCV004817379.1).

ClinVar aggregate classification (germline): Likely pathogenic (1 of 4 stars; one submission).

Conditions:
Epidermolysis bullosa dystrophica. Also called: Dystrophic epidermolysis bullosa, Hallopeau-Siemens type (formerly); Dystrophic epidermolysis bullosa. Identifiers: Orphanet 303, MedGen C0079294, MONDO:0006543.

Submission:

Natera, Inc.
Classification: Likely pathogenic for Dystrophic epidermolysis bullosa. Last evaluated: 2024-12-06. Review status: criteria provided, single submitter. Criteria: Natera Variant Classification Schema (03/2026). Collection method: clinical testing. Allele origin: germline.
Comment: The c.4783-1_4783delinsAA variant in COL7A1 is a canonical splice acceptor site variant predicted to affect pre-mRNA splicing, which may result in an abnormal transcript and altered protein product. This variant may result in a truncated or dysfunctional protein product. This variant is rare in the general population with a frequency below the threshold expected for the associated phenotype(s). Another variant at this same site results in an alteration predicted to cause a similar molecular effect has been observed in individual(s) with the associated phenotype. Given the available evidence, this variant is classified as Likely Pathogenic.